The following is an entry in ClinVar:

ClinVar aggregate classification (germline): Uncertain significance (1 of 4 stars; one submission).

Conditions:
Retinitis pigmentosa 71 (RP71). Identifiers: Orphanet 791, MedGen C4225342, MONDO:0014618, OMIM 616394.
Short-rib thoracic dysplasia 10 with or without polydactyly (SRTD10). Identifiers: Orphanet 474, MedGen C3810175, MONDO:0014284, OMIM 615630.

gnomAD v4.1: 1 of 1,613,970 alleles (0.000062%); no homozygotes.

Submission:

Labcorp Genetics (formerly Invitae), Labcorp
Classification: Uncertain significance for Retinitis pigmentosa 71; Short-rib thoracic dysplasia 10 with or without polydactyly. Last evaluated: 2021-08-14. Review status: criteria provided, single submitter. Criteria: Invitae Variant Classification Sherloc (09022015). Collection method: clinical testing. Allele origin: germline.
Comment: This sequence change replaces glutamine with histidine at codon 1552 of the IFT172 protein (p.Gln1552His). The glutamine residue is moderately conserved and there is a small physicochemical difference between glutamine and histidine. This variant is not present in population databases (ExAC no frequency). This variant has not been reported in the literature in individuals affected with IFT172-related conditions. Algorithms developed to predict the effect of missense changes on protein structure and function are either unavailable or do not agree on the potential impact of this missense change (SIFT: "Deleterious"; PolyPhen-2: "Benign"; Align-GVGD: "Class C0"). In summary, the available evidence is currently insufficient to determine the role of this variant in disease. Therefore, it has been classified as a Variant of Uncertain Significance.

NM_015662.3(IFT172):c.4656G>T (p.Gln1552His)

Gene: IFT172 (intraflagellar transport 172; minus strand). Cytogenetic location: 2p23.3.
Variant type: single nucleotide variant.
Coding change: c.4656G>T on transcript NM_015662.3 (MANE Select); coding-DNA position 4656, G replaced by T.
Protein change: p.Gln1552His; replaces glutamine 1552 with histidine.
Molecular consequence: missense variant.
Genome position (GRCh38, 1-based): chr2:27,447,518, C>A on the plus strand (G>T on the coding strand, the complement: IFT172 is on the minus strand). VCF-style: chr2-27447518-C-A. GRCh37 (hg19) VCF-style: chr2-27670385-C-A.
Other names: short protein forms Q1552H.
Identifiers: ClinVar variation 1374852 (VCV001374852.5), dbSNP rs530107456, ClinGen allele CA346416450.